The following is an entry in ClinVar:

ClinVar aggregate classification (germline): Uncertain significance (1 of 4 stars; one submission).

Conditions:
Inborn genetic diseases. Identifiers: MedGen C0950123, MeSH D030342.

Submission:

Ambry Genetics
Classification: Uncertain significance for Inborn genetic diseases. Last evaluated: 2026-04-16. Review status: criteria provided, single submitter. Criteria: Ambry Variant Classification Scheme 2023. Collection method: clinical testing. Allele origin: germline.
Comment: The c.31C>G (p.L11V) alteration is located in exon 1 (coding exon 1) of the CTBP1 gene. This alteration results from a C to G substitution at nucleotide position 31, causing the leucine (L) at amino acid position 11 to be replaced by a valine (V). Based on data from gnomAD, the G allele has an overall frequency of <0.001% (0/23548) total alleles studied. The highest observed frequency was <0.001% (/) of alleles. Based on insufficient or conflicting evidence, the clinical significance of this alteration remains unclear.

NM_001012614.2(CTBP1):c.-198C>G

Genes: CTBP1 (C-terminal binding protein 1; minus strand), LOC129991984 (ATAC-STARR-seq lymphoblastoid silent region 15125; plus strand). Cytogenetic location: 4p16.3.
Variant type: single nucleotide variant.
Coding change: c.-198C>G on transcript NM_001012614.2 (MANE Select); 198 bases upstream of the start codon, C replaced by G.
Molecular consequence: 5 prime UTR variant. On other transcripts: missense variant (2), intron variant (4).
Genome position (GRCh38, 1-based): chr4:1,248,925, G>C on the plus strand (C>G on the coding strand, the complement: CTBP1 is on the minus strand). VCF-style: chr4-1248925-G-C. GRCh37 (hg19) VCF-style: chr4-1242713-G-C.
Other names: c.31C>G, p.Leu11Val (NM_001328.3, NM_001377186.1); c.-198C>G (NM_001377187.1); c.-189+1235C>G (NM_001377192.1, NM_001377189.1); c.-189+724C>G (NM_001377193.1, NM_001377190.1); short protein forms L11V.
Identifiers: ClinVar variation 4869454 (VCV004869454.1).